The following is an entry in ClinVar:

NM_004260.4(RECQL4):c.1922C>A (p.Thr641Lys)

Gene: RECQL4 (RecQ like helicase 4; minus strand). Cytogenetic location: 8q24.3.
Variant type: single nucleotide variant.
Coding change: c.1922C>A on transcript NM_004260.4 (MANE Select); coding-DNA position 1922, C replaced by A.
Protein change: p.Thr641Lys; replaces threonine 641 with lysine.
Molecular consequence: missense variant.
Genome position (GRCh38, 1-based): chr8:144,514,064, G>T on the plus strand (C>A on the coding strand, the complement: RECQL4 is on the minus strand). VCF-style: chr8-144514064-G-T. GRCh37 (hg19) VCF-style: chr8-145739448-G-T.
Other names: short protein forms T641K.
Identifiers: ClinVar variation 837531 (VCV000837531.7), dbSNP rs867428284, ClinGen allele CA372680480.

ClinVar aggregate classification (germline): Uncertain significance. Review status: criteria provided, multiple submitters, no conflicts (2 of 4 stars). 2 submissions from 2 submitters: Uncertain significance (2). Last evaluated 2025-07-30.

Conditions:
Inborn genetic diseases. Identifiers: MedGen C0950123, MeSH D030342.
Baller-Gerold syndrome (BGS). Also called: CRANIOSYNOSTOSIS WITH RADIAL DEFECTS. Identifiers: Orphanet 1225, MedGen C0265308, MONDO:0009039, OMIM 218600.

Allele frequency attached by ClinVar (database versions not stated): gnomAD 0.00001; TOPMed 0.00001.
gnomAD v4.1: 11 of 1,588,880 alleles (0.00069%); highest among the groups gnomAD compares: Non-Finnish European, 0.00094%; no homozygotes.

Submissions (2):

Labcorp Genetics (formerly Invitae), Labcorp
Classification: Uncertain significance for Baller-Gerold syndrome. Last evaluated: 2025-07-30. Review status: criteria provided, single submitter. Criteria: Invitae Variant Classification Sherloc (09022015). Collection method: clinical testing. Allele origin: germline.
Comment: This sequence change replaces threonine, which is neutral and polar, with lysine, which is basic and polar, at codon 641 of the RECQL4 protein (p.Thr641Lys). This variant is present in population databases (no rsID available, gnomAD 0.007%). This variant has not been reported in the literature in individuals affected with RECQL4-related conditions. ClinVar contains an entry for this variant (Variation ID: 837531). Invitae Evidence Modeling of protein sequence and biophysical properties (such as structural, functional, and spatial information, amino acid conservation, physicochemical variation, residue mobility, and thermodynamic stability) indicates that this missense variant is expected to disrupt RECQL4 protein function with a positive predictive value of 80%. In summary, the available evidence is currently insufficient to determine the role of this variant in disease. Therefore, it has been classified as a Variant of Uncertain Significance.

Ambry Genetics
Classification: Uncertain significance for Inborn genetic diseases. Last evaluated: 2024-12-04. Review status: criteria provided, single submitter. Criteria: Ambry Variant Classification Scheme 2023. Collection method: clinical testing. Allele origin: germline.
Comment: The p.T641K variant (also known as c.1922C>A), located in coding exon 12 of the RECQL4 gene, results from a C to A substitution at nucleotide position 1922. The threonine at codon 641 is replaced by lysine, an amino acid with similar properties. This amino acid position is conserved. In addition, this alteration is predicted to be deleterious by in silico analysis. Based on the available evidence, the clinical significance of this variant remains unclear.